The following is an entry in ClinVar:

ClinVar aggregate classification (germline): Uncertain significance (1 of 4 stars; one submission).

Conditions:
Inborn genetic diseases. Identifiers: MedGen C0950123, MeSH D030342.

Submission:

Ambry Genetics
Classification: Uncertain significance for Inborn genetic diseases. Last evaluated: 2020-01-14. Review status: criteria provided, single submitter. Criteria: Ambry Variant Classification Scheme 2023. Collection method: clinical testing. Allele origin: germline.
Comment: The p.V2227I variant (also known as c.6679G>A), located in coding exon 45 of the DST gene, results from a G to A substitution at nucleotide position 6679. The valine at codon 2227 is replaced by isoleucine, an amino acid with highly similar properties. This amino acid position is not well conserved in available vertebrate species. In addition, this alteration is predicted to be tolerated by in silico analysis. Since supporting evidence is limited at this time, the clinical significance of this alteration remains unclear.

NM_001374736.1(DST):c.13036G>A (p.Val4346Ile)

Gene: DST (dystonin; minus strand). Cytogenetic location: 6p12.1.
Variant type: single nucleotide variant.
Coding change: c.13036G>A on transcript NM_001374736.1 (MANE Select); coding-DNA position 13036, G replaced by A.
Protein change: p.Val4346Ile; replaces valine 4346 with isoleucine.
Molecular consequence: missense variant.
Genome position (GRCh38, 1-based): chr6:56,573,879, C>T on the plus strand (G>A on the coding strand, the complement: DST is on the minus strand). VCF-style: chr6-56573879-C-T. GRCh37 (hg19) VCF-style: chr6-56438677-C-T.
Other names: c.6679G>A, p.Val2227Ile (NM_001144769.5); c.6265G>A, p.Val2089Ile (NM_001144770.2); c.13036G>A, p.Val4346Ile (NM_001374722.1); c.12403G>A, p.Val4135Ile (NM_001374729.1); c.6145G>A, p.Val2049Ile (NM_001374730.1, NM_001386100.1, NM_183380.4); c.13063G>A, p.Val4355Ile (NM_001374734.1); c.5167G>A, p.Val1723Ile (NM_015548.5); short protein forms V4135I, V1723I, V2049I, V2089I, V2227I, V4355I, V4346I.
Identifiers: ClinVar variation 1754827 (VCV001754827.2), dbSNP rs2535776131, ClinGen allele CA364528230.